The following is an entry in ClinVar:

NM_000814.6(GABRB3):c.461+4T>A

Gene: GABRB3 (gamma-aminobutyric acid type A receptor subunit beta3; minus strand). Cytogenetic location: 15q12.
Variant type: single nucleotide variant.
Coding change: c.461+4T>A on transcript NM_000814.6 (MANE Select); 4 bases into the intron after coding-DNA position 461, T replaced by A.
Molecular consequence: intron variant.
Genome position (GRCh38, 1-based): chr15:26,621,310, A>T on the plus strand (T>A on the coding strand, the complement: GABRB3 is on the minus strand). VCF-style: chr15-26621310-A-T. GRCh37 (hg19) VCF-style: chr15-26866457-A-T.
Other names: c.461+4T>A (NM_021912.5); c.206+4T>A (NM_001278631.2, NM_001191320.2); c.248+4T>A (NM_001191321.3).
Identifiers: ClinVar variation 2083866 (VCV002083866.4), dbSNP rs918401726, ClinGen allele CA268161496.

ClinVar aggregate classification (germline): Uncertain significance (1 of 4 stars; one submission).

Conditions:
Epilepsy, childhood absence, susceptibility to, 1. Also called: Epilepsy, childhood absence 1. Identifiers: Orphanet 64280, MedGen C1838604, MONDO:0020759, OMIM 600131.
Epilepsy, childhood absence, susceptibility to, 5. Identifiers: Orphanet 64280, MedGen C2677087, MONDO:0012843, OMIM 612269.

Allele frequency attached by ClinVar (database versions not stated): gnomAD exomes below 0.00001; TOPMed below 0.00001.
gnomAD v4.1: 5 of 1,612,710 alleles (0.00031%); highest among the groups gnomAD compares: Admixed American, 0.0017%; no homozygotes.

Submission:

Labcorp Genetics (formerly Invitae), Labcorp
Classification: Uncertain significance for Epilepsy, childhood absence, susceptibility to, 5; Epilepsy, childhood absence, susceptibility to, 1. Last evaluated: 2025-03-15. Review status: criteria provided, single submitter. Criteria: Invitae Variant Classification Sherloc (09022015). Collection method: clinical testing. Allele origin: germline.
Comment: This sequence change falls in intron 4 of the GABRB3 gene. It does not directly change the encoded amino acid sequence of the GABRB3 protein. It affects a nucleotide within the consensus splice site. This variant is present in population databases (no rsID available, gnomAD 0.003%). This variant has not been reported in the literature in individuals affected with GABRB3-related conditions. ClinVar contains an entry for this variant (Variation ID: 2083866). Variants that disrupt the consensus splice site are a relatively common cause of aberrant splicing (PMID: 17576681, 9536098). Algorithms developed to predict the effect of sequence changes on RNA splicing suggest that this variant is not likely to affect RNA splicing. In summary, the available evidence is currently insufficient to determine the role of this variant in disease. Therefore, it has been classified as a Variant of Uncertain Significance.

Literature cited by the submitters: PubMed 17576681; PubMed 9536098.